The following is an entry in ClinVar:

ClinVar aggregate classification (germline): Benign. Review status: criteria provided, multiple submitters, no conflicts (2 of 4 stars). 14 submissions from 10 submitters: Benign (13). 1 of the submissions does not count toward it. Last evaluated 2026-02-04.

Conditions:
Autosomal recessive limb-girdle muscular dystrophy type 2Q (LGMDR17). Also called: MUSCULAR DYSTROPHY, LIMB-GIRDLE, AUTOSOMAL RECESSIVE 17. Identifiers: Orphanet 254361, MedGen C3150989, MONDO:0013390, OMIM 613723.
Epidermolysis bullosa simplex 5C, with pyloric atresia (EBS5C). Also called: PLEC-Related Epidermolysis Bullosa with Pyloric Atresia; Epidermolysis bullosa simplex with pyloric atresia; PLEC1-Related Epidermolysis Bullosa with Pyloric Atresia. Identifiers: Orphanet 158684, MedGen C2677349, MONDO:0012807, OMIM 612138.
Epidermolysis bullosa simplex 5B, with muscular dystrophy (EBS5B). Also called: EPIDERMOLYSIS BULLOSA SIMPLEX AND LIMB-GIRDLE MUSCULAR DYSTROPHY; Epidermolysis bullosa simplex with muscular dystrophy. Identifiers: Orphanet 257, MedGen C2931072, MONDO:0009181, OMIM 226670.
Epidermolysis bullosa simplex with nail dystrophy (EBS5D). Identifiers: MedGen C4225309, MONDO:0014661, OMIM 616487.
Epidermolysis bullosa simplex, Ogna type (EBS5A). Also called: EPIDERMOLYSIS BULLOSA SIMPLEX 5A, OGNA TYPE; Pidermolysis bullosa simplex 5A, Ogna type. Identifiers: Orphanet 79401, MedGen C0432317, MONDO:0007555, OMIM 131950.

Allele frequency attached by ClinVar (database versions not stated): gnomAD exomes 0.40765 and 0.42856; ExAC 0.41899; 1000 Genomes Project 0.47843; 1000 Genomes Project 30x 0.49422; gnomAD 0.52745 and 0.54173; TOPMed 0.53877; ESP Exome Variant Server 0.56554.
gnomAD v4.1: 706,849 of 1,612,292 alleles (44%); highest among the groups gnomAD compares: African/African-American, 85%; 164,465 homozygotes.

Submissions (14):

Labcorp Genetics (formerly Invitae), Labcorp
Classification: Benign for Autosomal recessive limb-girdle muscular dystrophy type 2Q; Epidermolysis bullosa simplex, Ogna type; Epidermolysis bullosa simplex with nail dystrophy; Epidermolysis bullosa simplex 5C, with pyloric atresia; Epidermolysis bullosa simplex 5B, with muscular dystrophy. Last evaluated: 2026-02-04. Review status: criteria provided, single submitter. Criteria: Invitae Variant Classification Sherloc (09022015). Collection method: clinical testing. Allele origin: germline.

Blueprint Genetics
Classification: Benign. Last evaluated: 2024-11-27. Review status: criteria provided, single submitter. Criteria: ACMG Guidelines, 2015. Collection method: clinical testing. Allele origin: germline.

Genome-Nilou Lab
Classification: Benign for Epidermolysis bullosa simplex with nail dystrophy. Last evaluated: 2021-10-25. Review status: criteria provided, single submitter. Criteria: ACMG Guidelines, 2015. Collection method: clinical testing. Allele origin: germline. Affected: no.

Genome-Nilou Lab
Classification: Benign for Epidermolysis bullosa simplex, Ogna type. Last evaluated: 2021-10-25. Review status: criteria provided, single submitter. Criteria: ACMG Guidelines, 2015. Collection method: clinical testing. Allele origin: germline. Affected: no.

Genome-Nilou Lab
Classification: Benign for Epidermolysis bullosa simplex 5B, with muscular dystrophy. Last evaluated: 2021-10-25. Review status: criteria provided, single submitter. Criteria: ACMG Guidelines, 2015. Collection method: clinical testing. Allele origin: germline. Affected: no.

Genome-Nilou Lab
Classification: Benign for Epidermolysis bullosa simplex 5C, with pyloric atresia. Last evaluated: 2021-10-25. Review status: criteria provided, single submitter. Criteria: ACMG Guidelines, 2015. Collection method: clinical testing. Allele origin: germline. Affected: no.

Genome-Nilou Lab
Classification: Benign for Autosomal recessive limb-girdle muscular dystrophy type 2Q. Last evaluated: 2021-10-25. Review status: criteria provided, single submitter. Criteria: ACMG Guidelines, 2015. Collection method: clinical testing. Allele origin: germline. Affected: no.

Mayo Clinic Laboratories, Mayo Clinic
Classification: Benign. Last evaluated: 2017-07-24. Review status: criteria provided, single submitter. Criteria: ACMG Guidelines, 2015. Collection method: clinical testing. Allele origin: germline. Observed: 927 variant alleles.

GeneDx
Classification: Benign. Last evaluated: 2015-03-03. Review status: criteria provided, single submitter. Criteria: GeneDx Variant Classification Process June 2021. Collection method: clinical testing. Allele origin: germline. Affected: yes.

Laboratory for Molecular Medicine, Mass General Brigham Personalized Medicine
Classification: Benign. Last evaluated: 2015-01-13. Review status: criteria provided, single submitter. Criteria: LMM Criteria. Collection method: clinical testing. Allele origin: germline. Observed: 10 variant alleles.
Comment: p.Ser4408Ser in exon 32 of PLEC: This variant is not expected to have clinical s ignificance because it does not alter an amino acid residue and is not located w ithin the splice consensus sequence. It has been identified in 43.5% (3608/8294) of European American chromosomes from a broad population by the NHLBI Exome Seq uencing Project (dbSNP rs6558405).

Eurofins Ntd Llc (ga)
Classification: Benign. Last evaluated: 2013-04-18. Review status: criteria provided, single submitter. Criteria: EGL Classification Definitions 2015. Collection method: clinical testing. Allele origin: germline. Observed: 18 variant alleles, 12 heterozygotes, 6 homozygotes.

Breakthrough Genomics
Classification: Benign. Review status: criteria provided, single submitter. Criteria: ACMG Guidelines, 2015. Collection method: not provided. Allele origin: germline. Inheritance: Autosomal recessive inheritance. Affected: yes.

PreventionGenetics, part of Exact Sciences
Classification: Benign. Review status: criteria provided, single submitter. Criteria: ACMG Guidelines, 2015. Collection method: clinical testing. Allele origin: germline.

Genetic Services Laboratory, University of Chicago
Classification: Likely benign for AllHighlyPenetrant. Review status: no assertion criteria provided. Collection method: clinical testing. Allele origin: germline. Inheritance: Autosomal recessive inheritance. Not counted in ClinVar's aggregate classification.
Comment: Likely benign based on allele frequency in 1000 Genomes Project or ESP global frequency and its presence in a patient with a rare or unrelated disease phenotype. NOT Sanger confirmed.

NM_201384.3(PLEC):c.12813A>G (p.Ser4271=)

Gene: PLEC (plectin; minus strand). Cytogenetic location: 8q24.3.
Variant type: single nucleotide variant.
Coding change: c.12813A>G on transcript NM_201384.3 (MANE Select); coding-DNA position 12813, A replaced by G.
Protein change: p.Ser4271=; no amino-acid change (serine 4271 retained).
Molecular consequence: synonymous variant.
Genome position (GRCh38, 1-based): chr8:143,917,008, T>C on the plus strand (A>G on the coding strand, the complement: PLEC is on the minus strand). VCF-style: chr8-143917008-T-C. GRCh37 (hg19) VCF-style: chr8-144991176-T-C.
Other names: p.Ser4257=; c.12894A>G, p.Ser4298= (NM_000445.5); c.12771A>G, p.Ser4257= (NM_201378.4); c.12747A>G, p.Ser4249= (NM_201379.3); c.13224A>G, p.Ser4408= (NM_201380.4); c.12717A>G, p.Ser4239= (NM_201381.3); c.12813A>G, p.Ser4271= (NM_201382.4); c.12825A>G, p.Ser4275= (NM_201383.3).
Identifiers: ClinVar variation 93030 (VCV000093030.30), dbSNP rs6558405, ClinGen allele CA146286.